The following is an entry in ClinVar:

ClinVar aggregate classification (germline): Pathogenic (1 of 4 stars; one submission).

Allele frequency attached by ClinVar (database versions not stated): gnomAD exomes below 0.00001.
gnomAD v4.1: 1 of 1,611,304 alleles (0.000062%); highest among the groups gnomAD compares: Non-Finnish European, 0.000085%; no homozygotes.

Submission:

Labcorp Genetics (formerly Invitae), Labcorp
Classification: Pathogenic. Last evaluated: 2024-11-30. Review status: criteria provided, single submitter. Criteria: Invitae Variant Classification Sherloc (09022015). Collection method: clinical testing. Allele origin: germline.
Comment: This sequence change creates a premature translational stop signal (p.Gly459*) in the SI gene. It is expected to result in an absent or disrupted protein product. Loss-of-function variants in SI are known to be pathogenic (PMID: 16329100, 23103650, 25452324). This variant is not present in population databases (gnomAD no frequency). This variant has not been reported in the literature in individuals affected with SI-related conditions. ClinVar contains an entry for this variant (Variation ID: 2134064). For these reasons, this variant has been classified as Pathogenic.

Literature cited by the submitters: PubMed 16329100; PubMed 23103650; PubMed 25452324.

NM_001041.4(SI):c.1375G>T (p.Gly459Ter)

Gene: SI (sucrase-isomaltase; minus strand). Cytogenetic location: 3q26.1.
Variant type: single nucleotide variant.
Coding change: c.1375G>T on transcript NM_001041.4 (MANE Select); coding-DNA position 1375, G replaced by T.
Protein change: p.Gly459Ter; replaces glycine 459 with a stop codon.
Molecular consequence: nonsense.
Genome position (GRCh38, 1-based): chr3:165,058,986, C>A on the plus strand (G>T on the coding strand, the complement: SI is on the minus strand). VCF-style: chr3-165058986-C-A. GRCh37 (hg19) VCF-style: chr3-164776774-C-A.
Other names: short protein forms G459*.
Identifiers: ClinVar variation 2134064 (VCV002134064.4), dbSNP rs774659446, ClinGen allele CA355029208.
Genomic context (GRCh38, chr3:165,058,986, plus strand): 5'-TTTGAGCAACATAGTTTTAATAAATATCATATTTTACCTCTCCAATAATTGGTGTACTTC[C>A]ATCTGACTCATTTATCCACACATGTTGTGTGTTTCCCCTCTCATAGGTTGCATATGTTGT-3'